The following is an entry in ClinVar:

ClinVar aggregate classification (germline): Uncertain significance (1 of 4 stars; one submission).

gnomAD v4.1: 2 of 1,614,246 alleles (0.00012%); highest among the groups gnomAD compares: South Asian, 0.0022%; no homozygotes.

Submission:

Dasa
Classification: Uncertain significance. Last evaluated: 2025-04-17. Review status: criteria provided, single submitter. Criteria: DASA Assertion Criteria. Collection method: clinical testing. Allele origin: germline.
Comment: NM_000384.3(APOB):c.4016C>T (p.Thr1339Ile) is a missense variant that results in the substitution of threonine with isoleucine. This variant is rare in population databases. Computational prediction algorithms are consistent with a benign effect. The currently available literature and clinical evidence are not sufficient to establish a definitive association between this variant and the reported condition. Therefore, this variant is classified as a variant of uncertain significance.

NM_000384.3(APOB):c.4016C>T (p.Thr1339Ile)

Gene: APOB (apolipoprotein B; minus strand). Cytogenetic location: 2p24.1.
Variant type: single nucleotide variant.
Coding change: c.4016C>T on transcript NM_000384.3 (MANE Select); coding-DNA position 4016, C replaced by T.
Protein change: p.Thr1339Ile; replaces threonine 1339 with isoleucine.
Molecular consequence: missense variant.
Genome position (GRCh38, 1-based): chr2:21,013,360, G>A on the plus strand (C>T on the coding strand, the complement: APOB is on the minus strand). VCF-style: chr2-21013360-G-A. GRCh37 (hg19) VCF-style: chr2-21236232-G-A.
Other names: short protein forms T1339I.
Identifiers: ClinVar variation 4885360 (VCV004885360.2).